The following is an entry in ClinVar:

ClinVar aggregate classification (germline): Benign/Likely benign. Review status: criteria provided, multiple submitters, no conflicts (2 of 4 stars). 3 submissions from 3 submitters: Benign (2); Likely benign (1). Last evaluated 2026-08-01.

Allele frequency attached by ClinVar (database versions not stated): ESP Exome Variant Server 0.00046; gnomAD 0.00049 and 0.00071; TOPMed 0.00059; gnomAD exomes 0.00121 and 0.00155; 1000 Genomes Project 30x 0.00125; 1000 Genomes Project 0.00140; ExAC 0.00162.

Submissions (3):

CeGaT Center for Human Genetics Tuebingen
Classification: Likely benign. Last evaluated: 2026-08-01. Review status: criteria provided, single submitter. Criteria: CeGaT Center For Human Genetics Tuebingen Variant Classification Criteria Version 2. Collection method: clinical testing. Allele origin: germline. Affected: yes. Observed: 3 variant alleles.
Comment: CASP2: BP4, BP7

Labcorp Genetics (formerly Invitae), Labcorp
Classification: Benign. Last evaluated: 2017-11-20. Review status: criteria provided, single submitter. Criteria: Invitae Variant Classification Sherloc (09022015). Collection method: clinical testing. Allele origin: germline.

Breakthrough Genomics
Classification: Benign. Review status: criteria provided, single submitter. Criteria: ACMG Guidelines, 2015. Collection method: not provided. Allele origin: germline. Inheritance: Unknown mechanism. Affected: yes.

NM_032982.4(CASP2):c.762A>G (p.Lys254=)

Gene: CASP2 (caspase 2; plus strand). Cytogenetic location: 7q34.
Variant type: single nucleotide variant.
Coding change: c.762A>G on transcript NM_032982.4 (MANE Select); coding-DNA position 762, A replaced by G.
Protein change: p.Lys254=; no amino-acid change (lysine 254 retained).
Molecular consequence: synonymous variant. On other transcripts: 3 prime UTR variant (1).
Genome position (GRCh38, 1-based): chr7:143,299,937, A>G. VCF-style: chr7-143299937-A-G. GRCh37 (hg19) VCF-style: chr7-142997030-A-G.
Other names: c.669A>G, p.Lys223= (NM_001224.5); c.*217A>G (NM_032983.4).
Identifiers: ClinVar variation 774665 (VCV000774665.12), dbSNP rs143669356, ClinGen allele CA4536556.